The following is an entry in ClinVar:

NM_004991.4(MECOM):c.2880A>G (p.Ile960Met)

Gene: MECOM (MDS1 and EVI1 complex locus; minus strand). Cytogenetic location: 3q26.2.
Variant type: single nucleotide variant.
Coding change: c.2880A>G on transcript NM_004991.4 (MANE Select); coding-DNA position 2880, A replaced by G.
Protein change: p.Ile960Met; replaces isoleucine 960 with methionine.
Molecular consequence: missense variant.
Genome position (GRCh38, 1-based): chr3:169,095,215, T>C on the plus strand (A>G on the coding strand, the complement: MECOM is on the minus strand). VCF-style: chr3-169095215-T-C. GRCh37 (hg19) VCF-style: chr3-168813003-T-C.
Other names: c.2511A>G, p.Ile837Met (NM_001105077.4); c.2316A>G, p.Ile772Met (NM_001105078.4, NM_001205194.2, NM_001366469.2 and 1 more transcripts); c.2292A>G, p.Ile764Met (NM_001163999.2, NM_001366470.2); c.2289A>G, p.Ile763Met (NM_001164000.2, NM_001366471.2, NM_001366472.2); c.2853A>G, p.Ile951Met (NM_001366466.2); c.2319A>G, p.Ile773Met (NM_001366467.2, NM_001366468.2); c.1881A>G, p.Ile627Met (NM_001366473.2); c.1317A>G, p.Ile439Met (NM_001366474.2); short protein forms I439M, I627M, I763M, I764M, I772M, I773M, I837M, I951M.
Identifiers: ClinVar variation 2504443 (VCV002504443.1), dbSNP rs2549200296, ClinGen allele CA355074378.

ClinVar aggregate classification (germline): Uncertain significance (1 of 4 stars; one submission).

Submission:

GeneDx
Classification: Uncertain significance. Last evaluated: 2022-12-04. Review status: criteria provided, single submitter. Criteria: GeneDx Variant Classification Process June 2021. Collection method: clinical testing. Allele origin: germline. Affected: yes.
Comment: Not observed at significant frequency in large population cohorts (gnomAD); In silico analysis supports that this missense variant has a deleterious effect on protein structure/function; Has not been previously published as pathogenic or benign to our knowledge